The following is an entry in ClinVar:

ClinVar aggregate classification (germline): Conflicting classifications of pathogenicity. Review status: criteria provided, conflicting classifications (1 of 4 stars). 2 submissions from 2 submitters: Uncertain significance (1); Likely benign (1). Last evaluated 2026-01-24.

Conditions:
Primary ciliary dyskinesia. Also called: Ciliary dyskinesia. Identifiers: Orphanet 244, MedGen C0008780, MONDO:0016575, HP:0012265.

Allele frequency attached by ClinVar (database versions not stated): gnomAD exomes below 0.00001; ExAC 0.00001; TOPMed 0.00001; gnomAD 0.00002.

Submissions (2):

Labcorp Genetics (formerly Invitae), Labcorp
Classification: Likely benign for Primary ciliary dyskinesia. Last evaluated: 2026-01-24. Review status: criteria provided, single submitter. Criteria: Invitae Variant Classification Sherloc (09022015). Collection method: clinical testing. Allele origin: germline.

Ambry Genetics
Classification: Uncertain significance for Primary ciliary dyskinesia. Last evaluated: 2018-02-02. Review status: criteria provided, single submitter. Criteria: Ambry Variant Classification Scheme 2023. Collection method: clinical testing. Allele origin: germline.
Comment: The p.M1887T variant (also known as c.5660T>C), located in coding exon 33 of the DNAH11 gene, results from a T to C substitution at nucleotide position 5660. The methionine at codon 1887 is replaced by threonine, an amino acid with similar properties. This amino acid position is highly conserved in available vertebrate species. In addition, the in silico prediction for this alteration is inconclusive. Since supporting evidence is limited at this time, the clinical significance of this alteration remains unclear.

NM_001277115.2(DNAH11):c.5660T>C (p.Met1887Thr)

Gene: DNAH11 (dynein axonemal heavy chain 11; plus strand). Cytogenetic location: 7p15.3.
Variant type: single nucleotide variant.
Coding change: c.5660T>C on transcript NM_001277115.2 (MANE Select); coding-DNA position 5660, T replaced by C.
Protein change: p.Met1887Thr; replaces methionine 1887 with threonine.
Molecular consequence: missense variant.
Genome position (GRCh38, 1-based): chr7:21,687,137, T>C. VCF-style: chr7-21687137-T-C. GRCh37 (hg19) VCF-style: chr7-21726755-T-C.
Other names: c.5681T>C, p.Met1894Thr (NM_003777.3); short protein forms M1887T, M1894T.
Identifiers: ClinVar variation 1748924 (VCV001748924.3), dbSNP rs772423148, ClinGen allele CA4180510.